The following is an entry in ClinVar:

ClinVar aggregate classification (germline): Likely benign. Review status: criteria provided, multiple submitters, no conflicts (2 of 4 stars). 2 submissions from 2 submitters: Likely benign (2). Last evaluated 2021-01-28.

Conditions:
Familial thoracic aortic aneurysm and aortic dissection (TAAD). Also called: Thoracic aortic aneurysms and dissections. Identifiers: Orphanet 91387, MedGen C4707243, MONDO:0019625.

Allele frequency attached by ClinVar (database versions not stated): gnomAD exomes below 0.00001.
gnomAD v4.1: 1 of 1,613,102 alleles (0.000062%); highest among the groups gnomAD compares: African/African-American, 0.0013%; no homozygotes.

Submissions (2):

Ambry Genetics
Classification: Likely benign for Familial thoracic aortic aneurysm and aortic dissection. Last evaluated: 2021-01-28. Review status: criteria provided, single submitter. Criteria: Ambry Variant Classification Scheme 2023. Collection method: clinical testing. Allele origin: germline.

GeneDx
Classification: Likely benign. Last evaluated: 2016-05-18. Review status: criteria provided, single submitter. Criteria: GeneDx Variant Classification (06012015). Collection method: clinical testing. Allele origin: germline. Affected: yes.
Comment: This variant is considered likely benign or benign based on one or more of the following criteria: it is a conservative change, it occurs at a poorly conserved position in the protein, it is predicted to be benign by multiple in silico algorithms, and/or has population frequency not consistent with disease.

NM_003036.4(SKI):c.1197C>A (p.Ala399=)

Gene: SKI (SKI proto-oncogene; plus strand). Cytogenetic location: 1p36.32.
Variant type: single nucleotide variant.
Coding change: c.1197C>A on transcript NM_003036.4 (MANE Select); coding-DNA position 1197, C replaced by A.
Protein change: p.Ala399=; no amino-acid change (alanine 399 retained).
Molecular consequence: synonymous variant.
Genome position (GRCh38, 1-based): chr1:2,303,386, C>A. VCF-style: chr1-2303386-C-A. GRCh37 (hg19) VCF-style: chr1-2234825-C-A.
Identifiers: ClinVar variation 386213 (VCV000386213.3), dbSNP rs1057522450, ClinGen allele CA16603511.
Genomic context (GRCh38, chr1:2,303,386, plus strand): 5'-CCGACCCTGGTCCCCCGCAGTGTCAGCGAGTGAGAAAGAGCTCTCCCCACACCTCCCGGC[C>A]CTCATCCGAGACAGGTGAGTGGGCGCCATTCACAGGTGTTTCTGATCACGGGGGAGGCTC-3'
Protein context (NP_003027.1, residues 389-409): SEKELSPHLP[Ala399=]LIRDSFYSYK